The following is an entry in ClinVar:

NM_003482.4(KMT2D):c.14635C>T (p.Leu4879=)

Gene: KMT2D (lysine methyltransferase 2D; minus strand). Cytogenetic location: 12q13.12.
Variant type: single nucleotide variant.
Coding change: c.14635C>T on transcript NM_003482.4 (MANE Select); coding-DNA position 14635, C replaced by T.
Protein change: p.Leu4879=; no amino-acid change (leucine 4879 retained).
Molecular consequence: synonymous variant.
Genome position (GRCh38, 1-based): chr12:49,027,811, G>A on the plus strand (C>T on the coding strand, the complement: KMT2D is on the minus strand). VCF-style: chr12-49027811-G-A. GRCh37 (hg19) VCF-style: chr12-49421594-G-A.
Identifiers: ClinVar variation 805010 (VCV000805010.9), dbSNP rs368094058, ClinGen allele CA6545701.
Genomic context (GRCh38, chr12:49,027,811, plus strand): 5'-GCCGGCAGCCCCTTTTTTCTAACACCCACCCCTTTTTCTCCCCCAGACCTACCTGTTTCA[G>A]GAGGCTCAAGATGTCTAGTTGGCTCTTCAGGGTATAGCCAGGCAACACTGCATCAAACTG-3'
Protein context (NP_003473.3, residues 4869-4889): LKSQLDILSL[Leu4879=]KQESPAPEPP

ClinVar aggregate classification (germline): Benign/Likely benign. Review status: criteria provided, multiple submitters, no conflicts (2 of 4 stars). 4 submissions from 4 submitters: Benign (2); Likely benign (1). 1 of the submissions does not count toward it. Last evaluated 2026-01-12.

Conditions:
Kabuki syndrome. Also called: NIIKAWA-KUROKI SYNDROME; Kabuki make-up syndrome. Identifiers: Orphanet 2322, MedGen C0796004, MONDO:0016512.
KMT2D-related disorder. Also called: KMT2D-Related Disorders.

Allele frequency attached by ClinVar (database versions not stated): gnomAD exomes 0.00001 and 0.00005; ExAC 0.00011; ESP Exome Variant Server 0.00017; TOPMed 0.00020; gnomAD 0.00024; 1000 Genomes Project 30x 0.00031; 1000 Genomes Project 0.00040.
gnomAD v4.1: 57 of 1,566,936 alleles (0.0036%); highest among the groups gnomAD compares: African/African-American, 0.075%; no homozygotes.

Submissions (4):

Labcorp Genetics (formerly Invitae), Labcorp
Classification: Likely benign for Kabuki syndrome. Last evaluated: 2026-01-12. Review status: criteria provided, single submitter. Criteria: Invitae Variant Classification Sherloc (09022015). Collection method: clinical testing. Allele origin: germline.

Blueprint Genetics
Classification: Benign. Last evaluated: 2022-06-22. Review status: criteria provided, single submitter. Criteria: ACMG Guidelines, 2015. Collection method: clinical testing. Allele origin: germline.

Athena Diagnostics
Classification: Benign. Last evaluated: 2018-11-21. Review status: criteria provided, single submitter. Criteria: Athena Diagnostics Criteria. Collection method: clinical testing. Allele origin: germline.

PreventionGenetics, part of Exact Sciences
Classification: Likely benign for KMT2D-related condition. Last evaluated: 2021-06-30. Review status: no assertion criteria provided. Collection method: clinical testing. Allele origin: germline. Not counted in ClinVar's aggregate classification.
Comment: This variant is classified as likely benign based on ACMG/AMP sequence variant interpretation guidelines (Richards et al. 2015 PMID: 25741868, with internal and published modifications).